The following is an entry in ClinVar:

NM_002609.4(PDGFRB):c.1127+24C>A

Gene: PDGFRB (platelet derived growth factor receptor beta; minus strand). Cytogenetic location: 5q32.
Variant type: single nucleotide variant.
Coding change: c.1127+24C>A on transcript NM_002609.4 (MANE Select); 24 bases into the intron after coding-DNA position 1127, C replaced by A.
Molecular consequence: intron variant.
Genome position (GRCh38, 1-based): chr5:150,132,726, G>T on the plus strand (C>A on the coding strand, the complement: PDGFRB is on the minus strand). VCF-style: chr5-150132726-G-T. GRCh37 (hg19) VCF-style: chr5-149512289-G-T.
Other names: c.935+24C>A (NM_001355016.2); c.644+24C>A (NM_001355017.2).
Identifiers: ClinVar variation 1801186 (VCV001801186.1), dbSNP rs189808094, ClinGen allele CA3508087.

ClinVar aggregate classification (germline): Likely benign (1 of 4 stars; one submission).

Allele frequency attached by ClinVar (database versions not stated): 1000 Genomes Project 30x 0.00453; 1000 Genomes Project 0.00519.

Submission:

GeneDx
Classification: Likely benign. Last evaluated: 2022-01-16. Review status: criteria provided, single submitter. Criteria: GeneDx Variant Classification Process June 2021. Collection method: clinical testing. Allele origin: germline. Affected: yes.
Comment: See Variant Classification Assertion Criteria.